The following is an entry in ClinVar:

NM_001378414.1(HDAC4):c.2614G>T (p.Asp872Tyr)

Gene: HDAC4 (histone deacetylase 4; minus strand). Cytogenetic location: 2q37.3.
Variant type: single nucleotide variant.
Coding change: c.2614G>T on transcript NM_001378414.1 (MANE Select); coding-DNA position 2614, G replaced by T.
Protein change: p.Asp872Tyr; replaces aspartic acid 872 with tyrosine.
Molecular consequence: missense variant.
Genome position (GRCh38, 1-based): chr2:239,082,140, C>A on the plus strand (G>T on the coding strand, the complement: HDAC4 is on the minus strand). VCF-style: chr2-239082140-C-A. GRCh37 (hg19) VCF-style: chr2-240003836-C-A.
Other names: c.2614G>T, p.Asp872Tyr (NM_001378415.1); c.2599G>T, p.Asp867Tyr (NM_001378416.1, NM_001378417.1, NM_006037.4); c.2533G>T, p.Asp845Tyr (NM_001435991.1, NM_001435992.1); c.2455G>T, p.Asp819Tyr (NM_001435993.1); short protein forms D819Y, D845Y, D867Y, D872Y.
Identifiers: ClinVar variation 4846804 (VCV004846804.1).

ClinVar aggregate classification (germline): Uncertain significance (1 of 4 stars; one submission).

Conditions:
Neurodevelopmental disorder with central hypotonia and dysmorphic facies (NEDCHF). Identifiers: MedGen C5676944, MONDO:0859232, OMIM 619797.

Submission:

Laboratorio de Genetica e Diagnostico Molecular, Hospital Israelita Albert Einstein
Classification: Uncertain significance for Neurodevelopmental disorder with central hypotonia and dysmorphic facies. Last evaluated: 2025-12-29. Review status: criteria provided, single submitter. Criteria: ACMG Guidelines, 2015. Collection method: clinical testing. Allele origin: germline. Affected: yes.
Comment: ACMG classification criteria: PM2 supporting, PP2 supporting